The following is an entry in ClinVar:

ClinVar aggregate classification (germline): Uncertain significance (1 of 4 stars; one submission).

Allele frequency attached by ClinVar (database versions not stated): gnomAD exomes below 0.00001; TOPMed below 0.00001.
gnomAD v4.1: 1 of 1,613,178 alleles (0.000062%); highest among the groups gnomAD compares: South Asian, 0.0011%; no homozygotes.

Submission:

Labcorp Genetics (formerly Invitae), Labcorp
Classification: Uncertain significance. Last evaluated: 2022-06-13. Review status: criteria provided, single submitter. Criteria: Invitae Variant Classification Sherloc (09022015). Collection method: clinical testing. Allele origin: germline.
Comment: In summary, the available evidence is currently insufficient to determine the role of this variant in disease. Therefore, it has been classified as a Variant of Uncertain Significance. Advanced modeling of protein sequence and biophysical properties (such as structural, functional, and spatial information, amino acid conservation, physicochemical variation, residue mobility, and thermodynamic stability) performed at Invitae indicates that this missense variant is not expected to disrupt EIF2AK4 protein function. This variant has not been reported in the literature in individuals affected with EIF2AK4-related conditions. This variant is not present in population databases (gnomAD no frequency). This sequence change replaces asparagine, which is neutral and polar, with aspartic acid, which is acidic and polar, at codon 1518 of the EIF2AK4 protein (p.Asn1518Asp).

NM_001013703.4(EIF2AK4):c.4552A>G (p.Asn1518Asp)

Gene: EIF2AK4 (eukaryotic translation initiation factor 2 alpha kinase 4; plus strand). Cytogenetic location: 15q15.1.
Variant type: single nucleotide variant.
Coding change: c.4552A>G on transcript NM_001013703.4 (MANE Select); coding-DNA position 4552, A replaced by G.
Protein change: p.Asn1518Asp; replaces asparagine 1518 with aspartic acid.
Molecular consequence: missense variant.
Genome position (GRCh38, 1-based): chr15:40,029,455, A>G. VCF-style: chr15-40029455-A-G. GRCh37 (hg19) VCF-style: chr15-40321656-A-G.
Other names: short protein forms N1518D.
Identifiers: ClinVar variation 2005646 (VCV002005646.4), dbSNP rs2035509395, ClinGen allele CA391681577.